The following is an entry in ClinVar:

ClinVar aggregate classification (germline): Uncertain significance (1 of 4 stars; one submission).

gnomAD v4.1: 1 of 1,613,806 alleles (0.000062%); highest among the groups gnomAD compares: Non-Finnish European, 0.000085%; no homozygotes.

Submission:

ARUP Laboratories, Molecular Genetics and Genomics, ARUP Laboratories
Classification: Uncertain significance. Last evaluated: 2024-11-13. Review status: criteria provided, single submitter. Criteria: ARUP Molecular Germline Variant Investigation Process 2024. Collection method: clinical testing. Allele origin: germline.
Comment: The CFTR c.30C>A; p.Ser10Arg variant, to our knowledge, is not reported in the medical literature or gene specific databases. This variant is also absent from the Genome Aggregation Database (v2.1.1), indicating it is not a common polymorphism. Computational analyses are uncertain whether this variant is neutral or deleterious (REVEL: 0.69). Additionally, another variant at this codon, c.28A>C; p.Ser10Arg, has been reported in an individual with pancreatic sufficient moderate pulmonary disease who carried p.Arg117His in cis and p.Phe508del in trans to c.28A>C (see SickKids database and references therein). Due to limited information, the clinical significance of this variant is uncertain at this time. References: Link to SickKids database

NM_000492.4(CFTR):c.30C>A (p.Ser10Arg)

Gene: CFTR (CF transmembrane conductance regulator; plus strand). Cytogenetic location: 7q31.2.
Variant type: single nucleotide variant.
Coding change: c.30C>A on transcript NM_000492.4 (MANE Select); coding-DNA position 30, C replaced by A.
Protein change: p.Ser10Arg; replaces serine 10 with arginine.
Molecular consequence: missense variant.
Genome position (GRCh38, 1-based): chr7:117,480,124, C>A. VCF-style: chr7-117480124-C-A. GRCh37 (hg19) VCF-style: chr7-117120178-C-A.
Other names: short protein forms S10R.
Identifiers: ClinVar variation 3766979 (VCV003766979.1).
Genomic context (GRCh38, chr7:117,480,124, plus strand): 5'-CCCTAGCAGGGACCCCAGCGCCCGAGAGACCATGCAGAGGTCGCCTCTGGAAAAGGCCAG[C>A]GTTGTCTCCAAACTTTTTTTCAGGTGAGAAGGTGGCCAACCGAGCTTCGGAAAGACACGT-3'
Protein context (NP_000483.3, residues 1-20): MQRSPLEKA[Ser10Arg]VVSKLFFSWT